The following is an entry in ClinVar:

ClinVar aggregate classification (germline): Uncertain significance (1 of 4 stars; one submission).

Conditions:
Hypertrophic cardiomyopathy. Also called: HYPERTROPHIC MYOCARDIOPATHY. Identifiers: Orphanet 217569, MedGen C0007194, MeSH D002312, MONDO:0005045, HP:0001639.

Allele frequency attached by ClinVar (database versions not stated): gnomAD exomes below 0.00001; TOPMed below 0.00001.
gnomAD v4.1: 1 of 1,614,006 alleles (0.000062%); highest among the groups gnomAD compares: Middle Eastern, 0.016%; no homozygotes.

Submission:

Labcorp Genetics (formerly Invitae), Labcorp
Classification: Uncertain significance for Hypertrophic cardiomyopathy. Last evaluated: 2022-03-18. Review status: criteria provided, single submitter. Criteria: Invitae Variant Classification Sherloc (09022015). Collection method: clinical testing. Allele origin: germline.
Comment: This variant is not present in population databases (gnomAD no frequency). This sequence change replaces threonine, which is neutral and polar, with serine, which is neutral and polar, at codon 494 of the MYBPC3 protein (p.Thr494Ser). This variant has not been reported in the literature in individuals affected with MYBPC3-related conditions. In summary, the available evidence is currently insufficient to determine the role of this variant in disease. Therefore, it has been classified as a Variant of Uncertain Significance. Algorithms developed to predict the effect of missense changes on protein structure and function (SIFT, PolyPhen-2, Align-GVGD) all suggest that this variant is likely to be disruptive.

NM_000256.3(MYBPC3):c.1481C>G (p.Thr494Ser)

Gene: MYBPC3 (myosin binding protein C3; minus strand). Cytogenetic location: 11p11.2.
Variant type: single nucleotide variant.
Coding change: c.1481C>G on transcript NM_000256.3 (MANE Select); coding-DNA position 1481, C replaced by G.
Protein change: p.Thr494Ser; replaces threonine 494 with serine.
Molecular consequence: missense variant.
Genome position (GRCh38, 1-based): chr11:47,342,721, G>C on the plus strand (C>G on the coding strand, the complement: MYBPC3 is on the minus strand). VCF-style: chr11-47342721-G-C. GRCh37 (hg19) VCF-style: chr11-47364272-G-C.
Other names: short protein forms T494S.
Identifiers: ClinVar variation 1445215 (VCV001445215.8), dbSNP rs958553888, ClinGen allele CA221695980.
Genomic context (GRCh38, chr11:47,342,721, plus strand): 5'-ATGATCAGGTGGTGTCTCTGCCCGTCCTTCTTGAACCGGTATTTGAAGGTCTCCTCCCGG[G>C]TCAGCTCCACCCCGTCCTTCAGCCTAGCCGGGTGGGTGGGTGGCAAGTGCTGTGGCCTCT-3'
Protein context (NP_000247.2, residues 484-504): VKWLKDGVEL[Thr494Ser]REETFKYRFK